The following is an entry in ClinVar:

NM_000747.3(CHRNB1):c.145G>A (p.Gly49Arg)

Gene: CHRNB1 (cholinergic receptor nicotinic beta 1 subunit; plus strand). Cytogenetic location: 17p13.1.
Variant type: single nucleotide variant.
Coding change: c.145G>A on transcript NM_000747.3 (MANE Select); coding-DNA position 145, G replaced by A.
Protein change: p.Gly49Arg; replaces glycine 49 with arginine.
Molecular consequence: missense variant.
Genome position (GRCh38, 1-based): chr17:7,445,356, G>A. VCF-style: chr17-7445356-G-A. GRCh37 (hg19) VCF-style: chr17-7348675-G-A.
Other names: short protein forms G49R.
Identifiers: ClinVar variation 1347588 (VCV001347588.8), dbSNP rs776235550, ClinGen allele CA397787330.

ClinVar aggregate classification (germline): Uncertain significance (1 of 4 stars; one submission).

Conditions:
Congenital myasthenic syndrome 2A. Also called: Myasthenic syndrome, congenital, 2a, slow-channel. Identifiers: Orphanet 590, MedGen C4225374, MONDO:0014581, OMIM 616313.

Submission:

Labcorp Genetics (formerly Invitae), Labcorp
Classification: Uncertain significance for Congenital myasthenic syndrome 2A. Last evaluated: 2021-03-02. Review status: criteria provided, single submitter. Criteria: Invitae Variant Classification Sherloc (09022015). Collection method: clinical testing. Allele origin: germline.
Comment: This sequence change replaces glycine with arginine at codon 49 of the CHRNB1 protein (p.Gly49Arg). The glycine residue is moderately conserved and there is a moderate physicochemical difference between glycine and arginine. This variant is not present in population databases (ExAC no frequency). This variant has not been reported in the literature in individuals with CHRNB1-related conditions. Advanced modeling of protein sequence and biophysical properties (such as structural, functional, and spatial information, amino acid conservation, physicochemical variation, residue mobility, and thermodynamic stability) performed at Invitae indicates that this missense variant is not expected to disrupt CHRNB1 protein function. In summary, the available evidence is currently insufficient to determine the role of this variant in disease. Therefore, it has been classified as a Variant of Uncertain Significance.